The following is an entry in ClinVar:

ClinVar aggregate classification (germline): Uncertain significance (1 of 4 stars; one submission).

Conditions:
Hypophosphatasia. Also called: Phosphoethanol-aminuria. Identifiers: Orphanet 436, MedGen C0020630, MeSH D007014, MONDO:0018570.

Submission:

Genomenon, Inc
Classification: Uncertain significance for Hypophosphatasia. Last evaluated: 2026-09-01. Review status: criteria provided, single submitter. Criteria: Genomenon Sequence Variant Interpretation Standards - Updated. Collection method: curation. Allele origin: germline. Affected: yes.
Comment: ALPL p.Val331Met (c.991G>A) is a missense variant that changes the amino acid at codon 331 from Valine to Methionine. This variant has been observed in at least one proband affected with an ALPL-related disorder (PMID:39450343). It is absent or not present at a significant frequency in gnomAD. In silico models predict that this variant is possibly or probably damaging. In conclusion, we classify ALPL p.Val331Met (c.991G>A) as a variant of uncertain significance.

Literature cited by the submitters: PubMed 39450343.

NM_000478.6(ALPL):c.991G>A (p.Val331Met)

Gene: ALPL (alkaline phosphatase, biomineralization associated; plus strand). Cytogenetic location: 1p36.12.
Variant type: single nucleotide variant.
Coding change: c.991G>A on transcript NM_000478.6 (MANE Select); coding-DNA position 991, G replaced by A.
Protein change: p.Val331Met; replaces valine 331 with methionine.
Molecular consequence: missense variant.
Genome position (GRCh38, 1-based): chr1:21,573,793, G>A. VCF-style: chr1-21573793-G-A. GRCh37 (hg19) VCF-style: chr1-21900286-G-A.
Other names: c.826G>A, p.Val276Met (NM_001127501.4); c.760G>A, p.Val254Met (NM_001177520.3); c.991G>A, p.Val331Met (NM_001369803.2, NM_001369804.2, NM_001369805.2); short protein forms V254M, V276M, V331M.
Identifiers: ClinVar variation 4974819 (VCV004974819.1).